The following is an entry in ClinVar:

ClinVar aggregate classification (germline): Uncertain significance (1 of 4 stars; one submission).

Conditions:
Ataxia-telangiectasia syndrome (AT). Also called: Cerebello-oculocutaneous telangiectasia; Immunodeficiency with ataxia telangiectasia; Ataxia-telangiectasia; AT, COMPLEMENTATION GROUP C; Ataxia telangiectasia (A-T); LOUIS-BAR SYNDROME. Identifiers: Orphanet 100, MedGen C0004135, MONDO:0008840, OMIM 208900.

Submission:

Labcorp Genetics (formerly Invitae), Labcorp
Classification: Uncertain significance for Ataxia-telangiectasia syndrome. Last evaluated: 2022-11-02. Review status: criteria provided, single submitter. Criteria: Invitae Variant Classification Sherloc (09022015). Collection method: clinical testing. Allele origin: germline.
Comment: This variant results in a copy number gain of the genomic region encompassing exon(s) 62-63 of the ATM gene. This region includes the termination codon of the gene. This copy number gain extends beyond the assayed region for this gene and therefore may encompass additional genes. As the precise location of this event is unknown, it may be in tandem or it may be located elsewhere in the genome. A similar copy number variant has been observed in individual(s) with clinical features of ATM-related condition (Invitae). A similar copy number variant has been observed to co-occur in individuals with a different variant in ATM that has been determined to be pathogenic (Invitae), but the significance of this finding is unclear. ClinVar contains an entry for this variant (Variation ID: 429035). In summary, the available evidence is currently insufficient to determine the role of this variant in disease. Therefore, it has been classified as a Variant of Uncertain Significance.

NC_000011.9:g.(?_108235789)_(108236235_?)dup

Gene: ATM (ATM serine/threonine kinase; plus strand). Cytogenetic location: 11q22.3.
Variant type: Duplication.
Identifiers: ClinVar variation 2422237 (VCV002422237.3).